The following is an entry in ClinVar:

ClinVar aggregate classification (germline): Conflicting classifications of pathogenicity. Review status: criteria provided, conflicting classifications (1 of 4 stars). 26 submissions from 22 submitters: Uncertain significance (5); Benign (11); Likely benign (5). 5 of the submissions do not count toward it. Last evaluated 2026-07-01.

Conditions:
Cardiovascular phenotype. Identifiers: MedGen CN230736.
TTN-related disorder. Also called: TTN-related disorders; TTN-related condition; TTN-related disease.
Autosomal recessive limb-girdle muscular dystrophy type 2J (LGMDR10). Also called: Limb-girdle muscular dystrophy, type 2J; MUSCULAR DYSTROPHY, LIMB-GIRDLE, AUTOSOMAL RECESSIVE 10. Identifiers: Orphanet 140922, MedGen C1837342, MONDO:0012127, OMIM 608807.
Dilated cardiomyopathy 1G (CMD1G). Identifiers: Orphanet 154, MedGen C1858763, MONDO:0011400, OMIM 604145.
Cardiomyopathy (CMYO). Also called: Cardiomyopathies. Identifiers: Orphanet 167848, MedGen C0878544, MONDO:0004994, HP:0001638. Inheritance: Various modes of inheritance.
Early-onset myopathy with fatal cardiomyopathy (CMYO5). Also called: Salih Myopathy; CONGENITAL MYOPATHY 5 WITH CARDIOMYOPATHY. Identifiers: Orphanet 289377, MedGen C2673677, MONDO:0012714, OMIM 611705. Disease mechanism: loss of function.
Tibial muscular dystrophy (TMD). Also called: Udd Distal Myopathy – Tibial Muscular Dystrophy; Tibial muscular dystrophy, tardive; UDD MYOPATHY. Identifiers: Orphanet 609, MedGen C1838244, MONDO:0010870, OMIM 600334.
Primary dilated cardiomyopathy (DCM). Also called: Dilated Cardiomyopathy. Identifiers: Orphanet 217604, MedGen C0007193, MeSH D002311, MONDO:0005021, HP:0001644. Inheritance: Various modes of inheritance.
Myopathy, myofibrillar, 9, with early respiratory failure (MFM9). Also called: EDSTROM MYOPATHY; MYOPATHY, PROXIMAL, WITH EARLY RESPIRATORY MUSCLE INVOLVEMENT; Hereditary myopathy with early respiratory failure; Myopathy, distal, with early respiratory failure, autosomal dominant. Identifiers: Orphanet 178464, Orphanet 34521, MedGen C1863599, MONDO:0011362, OMIM 603689.

Allele frequency attached by ClinVar (database versions not stated): ESP Exome Variant Server 0.00093; gnomAD 0.00097 and 0.00102; TOPMed 0.00114; ExAC 0.00134; gnomAD exomes 0.00162.
gnomAD v4.1: 1,495 of 1,613,444 alleles (0.093%); highest among the groups gnomAD compares: Middle Eastern, 0.53%; 12 homozygotes.

Submissions 1 to 17 of 26:

CeGaT Center for Human Genetics Tuebingen
Classification: Benign. Last evaluated: 2026-07-01. Review status: criteria provided, single submitter. Criteria: CeGaT Center For Human Genetics Tuebingen Variant Classification Criteria Version 2. Collection method: clinical testing. Allele origin: germline. Affected: yes. Observed: 55 variant alleles.
Comment: TTN: BP4, BS1, BS2

Labcorp Genetics (formerly Invitae), Labcorp
Classification: Likely benign for Dilated cardiomyopathy 1G; Autosomal recessive limb-girdle muscular dystrophy type 2J. Last evaluated: 2026-02-01. Review status: criteria provided, single submitter. Criteria: Invitae Variant Classification Sherloc (09022015). Collection method: clinical testing. Allele origin: germline.

Mayo Clinic Laboratories, Mayo Clinic
Classification: Benign. Last evaluated: 2025-10-22. Review status: criteria provided, single submitter. Criteria: ACMG Guidelines, 2015. Collection method: clinical testing. Allele origin: germline. Observed: 6 variant alleles.
Comment: BA1, BS2, BP4_moderate

Molecular Diagnostic Laboratory for Inherited Cardiovascular Disease, Montreal Heart Institute
Classification: Likely benign. Last evaluated: 2025-04-09. Review status: criteria provided, single submitter. Criteria: ACMG Guidelines, 2015. Collection method: clinical testing. Allele origin: germline. Affected: no.

ARUP Laboratories, Molecular Genetics and Genomics, ARUP Laboratories
Classification: Likely benign. Last evaluated: 2025-03-10. Review status: criteria provided, single submitter. Criteria: ARUP Molecular Germline Variant Investigation Process 2024. Collection method: clinical testing. Allele origin: germline.

Blueprint Genetics
Classification: Likely benign. Last evaluated: 2024-11-26. Review status: criteria provided, single submitter. Criteria: ACMG Guidelines, 2015. Collection method: clinical testing. Allele origin: germline.

Athena Diagnostics
Classification: Benign. Last evaluated: 2020-12-01. Review status: criteria provided, single submitter. Criteria: Athena Diagnostics criteria. Collection method: clinical testing. Allele origin: unknown.

Women's Health and Genetics/Laboratory Corporation of America, LabCorp
Classification: Benign. Last evaluated: 2020-11-17. Review status: criteria provided, single submitter. Criteria: LabCorp Variant Classification Summary - May 2015. Collection method: clinical testing. Allele origin: germline.
Comment: Variant summary: TTN c.72997A>G (p.Ile24333Val) results in a conservative amino acid change located in the A-band region of the encoded protein sequence. Four of five in-silico tools predict a benign effect of the variant on protein function. The variant allele was found at a frequency of 0.0016 in 248414 control chromosomes in the gnomAD database, including 1 homozygote. The observed variant frequency is approximately 4.2- fold the estimated maximal expected allele frequency for a pathogenic variant in TTN causing Dilated Cardiomyopathy phenotype (0.00039), strongly suggesting that the variant is benign. c.72997A>G has been reported in the literature in individuals affected with Cardiomyopathy (e.g. Pugh_2014, Campuzano_2015, Restrepo-Cordoba_2017). These reports do not provide unequivocal conclusions about association of the variant with Dilated Cardiomyopathy. To our knowledge, no experimental evidence demonstrating an impact on protein function has been reported. Ten other ClinVar submitters (evaluation after 2014) have cited the variant as benign/likely benign (n=8) and uncertain significance (n=2). Based on the evidence outlined above, the variant was classified as benign.

CHEO Genetics Diagnostic Laboratory, Children's Hospital of Eastern Ontario
Classification: Benign for Cardiomyopathy. Last evaluated: 2019-07-22. Review status: criteria provided, single submitter. Criteria: ACMG Guidelines, 2015. Collection method: clinical testing. Allele origin: germline. Study: Canadian Open Genetics Repository.

Laboratory for Molecular Medicine, Mass General Brigham Personalized Medicine
Classification: Likely benign. Last evaluated: 2019-05-10. Review status: criteria provided, single submitter. Criteria: LMM Criteria. Collection method: clinical testing. Allele origin: germline. Observed: 12 variant alleles.
Comment: The p.Ile24333Val variant in TTN is classified as likely benign because it has been identified in 3.1% (326/10344) of Ashkenazi Jewish chromosomes (including 1 homozygote) and 0.04% (59/127920) of European chromosomes by gnomAD. Additionally, isoleucine (Ile) at position 24333 is not conserved in evolution and multiple birds and reptiles carry a valine (Val) at this position. Computational prediction tools predict that this variant does not impact the protein. ACMG/AMP Criteria applied: BS1, BP4.

Center for Advanced Laboratory Medicine, UC San Diego Health, University of California San Diego
Classification: Benign for Dilated cardiomyopathy. Last evaluated: 2018-04-06. Review status: criteria provided, single submitter. Criteria: ACMG Guidelines, 2015. Collection method: clinical testing. Allele origin: germline. Affected: yes. Observed: 2 variant alleles.

Illumina Laboratory Services, Illumina
Classification: Uncertain significance for Early-onset myopathy with fatal cardiomyopathy. Last evaluated: 2018-01-13. Review status: criteria provided, single submitter. Criteria: ICSL Variant Classification Criteria 13 December 2019. Collection method: clinical testing. Allele origin: germline.

Illumina Laboratory Services, Illumina
Classification: Benign for Tibial muscular dystrophy. Last evaluated: 2018-01-13. Review status: criteria provided, single submitter. Criteria: ICSL Variant Classification Criteria 13 December 2019. Collection method: clinical testing. Allele origin: germline.
Comment: This variant was observed in the ICSL laboratory as part of a predisposition screen in an ostensibly healthy population. It had not been previously curated by ICSL or reported in the Human Gene Mutation Database (HGMD: prior to June 1st, 2018), and was therefore a candidate for classification through an automated scoring system. Utilizing variant allele frequency, disease prevalence and penetrance estimates, and inheritance mode, an automated score was calculated to assess if this variant is too frequent to cause the disease. Based on the score and internal cut-off values, a variant classified as benign is not then subjected to further curation. The score for this variant resulted in a classification of benign for this disease.

Illumina Laboratory Services, Illumina
Classification: Uncertain significance for Autosomal recessive limb-girdle muscular dystrophy type 2J. Last evaluated: 2018-01-13. Review status: criteria provided, single submitter. Criteria: ICSL Variant Classification Criteria 13 December 2019. Collection method: clinical testing. Allele origin: germline.

Illumina Laboratory Services, Illumina
Classification: Benign for Myopathy, myofibrillar, 9, with early respiratory failure. Last evaluated: 2018-01-13. Review status: criteria provided, single submitter. Criteria: ICSL Variant Classification Criteria 13 December 2019. Collection method: clinical testing. Allele origin: germline.
Comment: the same text as in the submission from Illumina Laboratory Services, Illumina above.

Illumina Laboratory Services, Illumina
Classification: Uncertain significance for Dilated cardiomyopathy 1G. Last evaluated: 2018-01-13. Review status: criteria provided, single submitter. Criteria: ICSL Variant Classification Criteria 13 December 2019. Collection method: clinical testing. Allele origin: germline.

Ambry Genetics
Classification: Benign for Cardiovascular phenotype. Last evaluated: 2017-12-08. Review status: criteria provided, single submitter. Criteria: Ambry Variant Classification Scheme 2023. Collection method: clinical testing. Allele origin: germline.

NM_001267550.2(TTN):c.80701A>G (p.Ile26901Val)

Genes: TTN (titin; minus strand), TTN-AS1 (TTN antisense RNA 1; plus strand). Cytogenetic location: 2q31.2.
Variant type: single nucleotide variant.
Coding change: c.80701A>G on transcript NM_001267550.2 (MANE Select); coding-DNA position 80701, A replaced by G.
Protein change: p.Ile26901Val; replaces isoleucine 26901 with valine.
Molecular consequence: missense variant.
Genome position (GRCh38, 1-based): chr2:178,565,431, T>C on the plus strand (A>G on the coding strand, the complement: TTN is on the minus strand). VCF-style: chr2-178565431-T-C. GRCh37 (hg19) VCF-style: chr2-179430158-T-C.
Other names: p.I25260V:ATT>GTT; p.Ile25260Val; c.53881A>G, p.Ile17961Val (NM_133432.3); c.54082A>G, p.Ile18028Val (NM_133437.4); c.75778A>G, p.Ile25260Val (NM_001256850.1); c.53506A>G, p.Ile17836Val (NM_003319.4); c.72997A>G, p.Ile24333Val (NM_133378.4); short protein forms I24333V, I26901V, I25260V, I17836V, I17961V, I18028V.
Identifiers: ClinVar variation 165813 (VCV000165813.81), dbSNP rs201562505, ClinGen allele CA248764.